The following is an entry in ClinVar:

NM_004333.6(BRAF):c.622A>G (p.Ile208Val)

Gene: BRAF (B-Raf proto-oncogene, serine/threonine kinase; minus strand). Cytogenetic location: 7q34.
Variant type: single nucleotide variant.
Coding change: c.622A>G on transcript NM_004333.6 (MANE Select); coding-DNA position 622, A replaced by G.
Protein change: p.Ile208Val; replaces isoleucine 208 with valine.
Molecular consequence: missense variant.
Genome position (GRCh38, 1-based): chr7:140,808,049, T>C on the plus strand (A>G on the coding strand, the complement: BRAF is on the minus strand). VCF-style: chr7-140808049-T-C. GRCh37 (hg19) VCF-style: chr7-140507849-T-C.
Other names: c.622A>G, p.Ile208Val (NM_001354609.2, NM_001374244.1, NM_001374258.1 and 4 more transcripts); c.631A>G, p.Ile211Val (NM_001378467.1); c.520A>G, p.Ile174Val (NM_001378470.1); c.466A>G, p.Ile156Val (NM_001378472.1, NM_001378473.1); c.358A>G, p.Ile120Val (NM_001378475.1); short protein forms I208V, I174V, I120V, I156V, I211V.
Identifiers: ClinVar variation 178963 (VCV000178963.20), dbSNP rs727504571, ClinGen allele CA183392.

ClinVar aggregate classification (germline): Uncertain significance. Review status: reviewed by expert panel (3 of 4 stars). 6 submissions from 6 submitters: Uncertain significance (1). 5 of the submissions do not count toward it. Last evaluated 2020-03-09.

Conditions:
RASopathy. Also called: Noonan spectrum disorder; rasopathies. Identifiers: Orphanet 536391, MedGen C5555857, MONDO:0021060.
Noonan syndrome and Noonan-related syndrome. Identifiers: Orphanet 98733, MedGen C5681679, MONDO:0020297.

Allele frequency attached by ClinVar (database versions not stated): ExAC 0.00001; gnomAD exomes 0.00001 and 0.00002; gnomAD 0.00002; TOPMed below 0.00001.
gnomAD v4.1: 24 of 1,612,526 alleles (0.0015%); highest among the groups gnomAD compares: African/African-American, 0.0027%; no homozygotes.

Submissions (6):

ClinGen RASopathy Variant Curation Expert Panel
Classification: Uncertain significance for RASopathy. Last evaluated: 2020-03-09. Review status: reviewed by expert panel. Criteria: ClinGen RASopathy ACMG Specifications v1. Collection method: curation. Allele origin: germline. Inheritance: Autosomal dominant inheritance.
Comment: The c.622A>G (p.Ile208Val) variant in BRAF is present in 0.00001% (2/128934) European alleles in gnomAD. This variant was observed in two healthy adult individuals who did not have clinical features of a RASopathy (SCV000205449.5; PMID:29945942). Additionally, 12 apparently unaffected parental samples were observed with this variant, however this evidence does not meet current scoring criteria for BS2 at this time (BS2 not met; SCV000329576.8, SCV001011557.1). The variant is located in the BRAF gene, which has been defined by the ClinGen RASopathy Expert Panel as a gene with a low rate of benign missense variants and pathogenic missense variants are common (PP2; PMID: 29493581). In summary, the clinical significance of the p.Ile208Val variant is uncertain at this time. RASopathy-specific ACMG/AMP criteria applied (PMID:29493581): PP2.

Labcorp Genetics (formerly Invitae), Labcorp
Classification: Likely benign for RASopathy. Last evaluated: 2025-12-20. Review status: criteria provided, single submitter. Criteria: Invitae Variant Classification Sherloc (09022015). Collection method: clinical testing. Allele origin: germline. Not counted in ClinVar's aggregate classification.

Genome Diagnostics Laboratory, The Hospital for Sick Children
Classification: Uncertain significance for Noonan syndrome and Noonan-related syndrome. Last evaluated: 2019-11-21. Review status: criteria provided, single submitter. Criteria: ACMG Guidelines, 2015. Collection method: clinical testing. Allele origin: germline. Not counted in ClinVar's aggregate classification.

Women's Health and Genetics/Laboratory Corporation of America, LabCorp
Classification: Likely benign. Last evaluated: 2019-09-06. Review status: criteria provided, single submitter. Criteria: LabCorp Variant Classification Summary - May 2015. Collection method: clinical testing. Allele origin: germline. Not counted in ClinVar's aggregate classification.
Comment: Variant summary: BRAF c.622A>G (p.Ile208Val) results in a conservative amino acid change located in the Raf-like Ras-binding domain (IPR003116) of the encoded protein sequence. Four of five in-silico tools predict a benign effect of the variant on protein function. The variant allele was found at a frequency of 1.2e-05 in 251166 control chromosomes. The available data on variant occurrences in the general population are insufficient to allow any conclusion about variant significance. c.622A>G has been reported in the literature in unaffected individuals and index cases with clinical features inconsistent with a RASopathy in families undergoing evaluation for Noonan Syndrome and Related Conditions (Grant_2018). These report(s) do not provide unequivocal conclusions about association of the variant with Noonan Syndrome and Related Conditions. Co-occurrences with other pathogenic variant(s) have been reported in a melanoma cell line ( BRAF c.1799T>A, p.Val600Glu), providing supporting evidence for a benign role (Ikediobi_2016). To our knowledge, no experimental evidence demonstrating an impact on protein function has been reported. Two clinical diagnostic laboratories have submitted clinical-significance assessments for this variant to ClinVar after 2014 without evidence for independent evaluation. All laboratories classified the variant as likely benign. Based on the evidence outlined above, the variant was classified as likely benign.

GeneDx
Classification: Likely benign. Last evaluated: 2019-02-05. Review status: criteria provided, single submitter. Criteria: GeneDx Variant Classification Process June 2021. Collection method: clinical testing. Allele origin: germline. Affected: yes. Not counted in ClinVar's aggregate classification.
Comment: This variant is associated with the following publications: (PMID: 29945942)

Laboratory for Molecular Medicine, Mass General Brigham Personalized Medicine
Classification: Likely benign. Last evaluated: 2018-07-21. Review status: criteria provided, single submitter. Criteria: LMM Criteria. Collection method: clinical testing. Allele origin: germline. Observed: 2 variant alleles. Not counted in ClinVar's aggregate classification.
Comment: GeneDx observed the variant in three unrelated families undergoing exome testing in which the c linical presentations of individuals with the variant (n=6) were either normal o r had clinical features inconsistent with a RASopathy. This variant has also bee n found in the general population at a frequency of 3/276842 alleles (gnomAD, rs 727504571). Ile208Val has been reported in a melanoma cell line which also carri ed Val600Glu, a well-characterized activating mutation (Ikediobi 2006). Computat ional analyses (biochemical amino acid properties, conservation, AlignGVGD, Poly Phen2, and SIFT) do not provide strong support for or against an impact to the n ormal function of the protein. In summary, based upon the 3 observations in the general population and the 8 observations in individuals without a RASopathy dia gnosis, this variant is likely benign (Grant 2018). ACMG/AMP criteria applied: B S1_Supporting, BS2

Literature cited by the submitters: PubMed 17088437 (cited by Women's Health and Genetics/Laboratory Corporation of America, LabCorp and Laboratory for Molecular Medicine, Mass General Brigham Personalized Medicine); PubMed 29945942 (cited by Women's Health and Genetics/Laboratory Corporation of America, LabCorp).